The following is an entry in ClinVar:

ClinVar aggregate classification (germline): Conflicting classifications of pathogenicity. Review status: criteria provided, conflicting classifications (1 of 4 stars). 10 submissions from 10 submitters: Likely pathogenic (1); Uncertain significance (9). Last evaluated 2026-03-27.

Conditions:
Cardiovascular phenotype. Identifiers: MedGen CN230736.
MYH7-related disorder. Also called: MYH7-related condition; MYH7-related disease; MYH7-related disorders.
Cardiomyopathy (CMYO). Also called: Cardiomyopathies. Identifiers: Orphanet 167848, MedGen C0878544, MONDO:0004994, HP:0001638. Inheritance: Various modes of inheritance.
Hypertrophic cardiomyopathy. Also called: HYPERTROPHIC MYOCARDIOPATHY. Identifiers: Orphanet 217569, MedGen C0007194, MeSH D002312, MONDO:0005045, HP:0001639.

Allele frequency attached by ClinVar (database versions not stated): gnomAD 0.00001; TOPMed 0.00002.
gnomAD v4.1: 18 of 1,613,950 alleles (0.0011%); highest among the groups gnomAD compares: East Asian, 0.0022%; no homozygotes.

Submissions (10):

Molecular Diagnostic Laboratory for Inherited Cardiovascular Disease, Montreal Heart Institute
Classification: Uncertain significance for Cardiovascular phenotype. Last evaluated: 2026-03-27. Review status: criteria provided, single submitter. Criteria: ACMG Guidelines, 2015. Collection method: clinical testing. Allele origin: germline. Affected: yes.
Comment: PS4_supp, PM2

PreventionGenetics, part of Exact Sciences
Classification: Uncertain significance for MYH7-related condition. Last evaluated: 2026-03-10. Review status: criteria provided, single submitter. Criteria: ACMG Guidelines, 2015. Collection method: clinical testing. Allele origin: germline.
Comment: The MYH7 c.2908G>A variant is predicted to result in the amino acid substitution p.Ala970Thr. This variant has been reported in an individuals with dilated cardiomyopathy and arrhythmogenic cardiomyopathy (Online Supplementary File 2, van Lint et al. 2019. PubMed ID: 30847666). This variant is reported in 0.0023% of alleles in individuals of European (Non-Finnish) descent in gnomAD. At this time, the clinical significance of this variant is uncertain due to the absence of conclusive functional and genetic evidence.

Labcorp Genetics (formerly Invitae), Labcorp
Classification: Likely pathogenic for Hypertrophic cardiomyopathy. Last evaluated: 2025-09-28. Review status: criteria provided, single submitter. Criteria: Invitae Variant Classification Sherloc (09022015). Collection method: clinical testing. Allele origin: germline.
Comment: This sequence change replaces alanine, which is neutral and non-polar, with threonine, which is neutral and polar, at codon 970 of the MYH7 protein (p.Ala970Thr). This variant is present in population databases (no rsID available, gnomAD 0.002%). This missense change has been observed in individuals with dilated cardiomyopathy (PMID: 30847666; internal data). ClinVar contains an entry for this variant (Variation ID: 432848). Invitae Evidence Modeling of protein sequence and biophysical properties (such as structural, functional, and spatial information, amino acid conservation, physicochemical variation, residue mobility, and thermodynamic stability) indicates that this missense variant is expected to disrupt MYH7 protein function with a positive predictive value of 95%. In summary, the currently available evidence indicates that the variant is pathogenic, but additional data are needed to prove that conclusively. Therefore, this variant has been classified as Likely Pathogenic.

GeneDx
Classification: Uncertain significance. Last evaluated: 2025-02-14. Review status: criteria provided, single submitter. Criteria: GeneDx Variant Classification Process June 2021. Collection method: clinical testing. Allele origin: germline. Affected: yes.
Comment: Reported in an individual with suspected dilated cardiomyopathy and an individual with suspected arrhythmogenic right ventricular cardiomyopathy, but detailed clinical information and segregation information were not provided (PMID: 30847666); Not observed at significant frequency in large population cohorts (gnomAD); In silico analysis supports that this missense variant has a deleterious effect on protein structure/function; This variant is associated with the following publications: (PMID: 30847666)

Dasa
Classification: Uncertain significance. Last evaluated: 2025-02-13. Review status: criteria provided, single submitter. Criteria: DASA Assertion Criteria. Collection method: clinical testing. Allele origin: germline.
Comment: NM_000257.4(MYH7):c.2908G>A (p.Ala970Thr) is a missense variant that results in the substitution of alanine with threonine. This variant has been reported in individuals with MYH7-related disorders. Also, this variant is rare in population databases. The currently available literature and clinical evidence are not sufficient to establish a definitive association between this variant and the reported condition. Therefore, this variant is classified as a variant of uncertain significance.

Blueprint Genetics
Classification: Uncertain significance. Last evaluated: 2024-11-21. Review status: criteria provided, single submitter. Criteria: ACMG Guidelines, 2015. Collection method: clinical testing. Allele origin: germline.

Color Diagnostics, LLC DBA Color Health
Classification: Uncertain significance for Cardiomyopathy. Last evaluated: 2024-08-12. Review status: criteria provided, single submitter. Criteria: ACMG Guidelines, 2015. Collection method: clinical testing. Allele origin: germline.
Comment: This missense variant replaces alanine with threonine at codon 970 of the MYH7 protein. Computational prediction tools indicate that this variant's impact on protein structure and function is inconclusive. To our knowledge, functional studies have not been reported for this variant. This variant has been reported in an individual affected with dilated cardiomyopathy and in an individual affected with arrhythmogenic right ventricular cardiomyopathy (PMID: 30847666). This variant has been identified in 3/282844 chromosomes in the general population by the Genome Aggregation Database (gnomAD). The available evidence is insufficient to determine the role of this variant in disease conclusively. Therefore, this variant is classified as a Variant of Uncertain Significance.

All of Us Research Program, National Institutes of Health
Classification: Uncertain significance for Cardiomyopathy. Last evaluated: 2023-09-09. Review status: criteria provided, single submitter. Criteria: ACMG Guidelines, 2015. Collection method: clinical testing. Allele origin: germline. Inheritance: Autosomal dominant inheritance. Observed: 4 variant alleles, 4 heterozygotes.
Comment: This missense variant replaces alanine with threonine at codon 970 of the MYH7 protein. Computational prediction is inconclusive regarding the impact of this variant on protein structure and function (internally defined REVEL score threshold 0.5 < inconclusive < 0.7, PMID: 27666373). To our knowledge, functional studies have not been reported for this variant. This variant has been reported in an individual affected with dilated cardiomyopathy and in an individual affected with arrhythmogenic right ventricular cardiomyopathy (PMID: 30847666). This variant has been identified in 3/282844 chromosomes in the general population by the Genome Aggregation Database (gnomAD). The available evidence is insufficient to determine the role of this variant in disease conclusively. Therefore, this variant is classified as a Variant of Uncertain Significance.

This study involves interpretation of variants in research participants for the purpose of population health screening. Participant phenotype was not available at the time of variant classification. Additional details can be found in publication PMID: 35346344, PMCID: PMC8962531

Ambry Genetics
Classification: Uncertain significance for Cardiovascular phenotype. Last evaluated: 2022-03-10. Review status: criteria provided, single submitter. Criteria: Ambry Variant Classification Scheme 2023. Collection method: clinical testing. Allele origin: germline.
Comment: The p.A970T variant (also known as c.2908G>A), located in coding exon 21 of the MYH7 gene, results from a G to A substitution at nucleotide position 2908. The alanine at codon 970 is replaced by threonine, an amino acid with similar properties. This variant was detected in a cardiomyopathy genetic testing cohort; however, clinical details were limited, and additional cardiac variants were detected in some cases (van Lint FHM et al. Neth Heart J, 2019 Jun;27:304-309). This amino acid position is highly conserved in available vertebrate species. In addition, the in silico prediction for this alteration is inconclusive. Since supporting evidence is limited at this time, the clinical significance of this alteration remains unclear.

Women's Health and Genetics/Laboratory Corporation of America, LabCorp
Classification: Uncertain significance. Last evaluated: 2021-01-28. Review status: criteria provided, single submitter. Criteria: LabCorp Variant Classification Summary - May 2015. Collection method: clinical testing. Allele origin: germline.
Comment: Variant summary: MYH7 c.2908G>A (p.Ala970Thr) results in a non-conservative amino acid change located in the Myosin tail domain (IPR002928) of the encoded protein sequence. Four of five in-silico tools predict a damaging effect of the variant on protein function. The variant allele was found at a frequency of 8e-06 in 251440 control chromosomes (gnomAD). The available data on variant occurrences in the general population are insufficient to allow any conclusion about variant significance. To our knowledge, no occurrence of c.2908G>A in individuals affected with Cardiomyopathy and no experimental evidence demonstrating its impact on protein function have been reported. Two ClinVar submitters (evaluation after 2014) cite the variant as uncertain significance. Based on the evidence outlined above, the variant was classified as uncertain significance.

Literature cited by the submitters: PubMed 30847666 (cited by 4 submitters).

NM_000257.4(MYH7):c.2908G>A (p.Ala970Thr)

Gene: MYH7 (myosin heavy chain 7; minus strand). Cytogenetic location: 14q11.2.
Variant type: single nucleotide variant.
Coding change: c.2908G>A on transcript NM_000257.4 (MANE Select); coding-DNA position 2908, G replaced by A.
Protein change: p.Ala970Thr; replaces alanine 970 with threonine.
Molecular consequence: missense variant.
Genome position (GRCh38, 1-based): chr14:23,423,921, C>T on the plus strand (G>A on the coding strand, the complement: MYH7 is on the minus strand). VCF-style: chr14-23423921-C-T. GRCh37 (hg19) VCF-style: chr14-23893130-C-T.
Other names: c.2908G>A (LRG_384t1); short protein forms A970T.
Identifiers: ClinVar variation 432848 (VCV000432848.22), dbSNP rs1446657813, ClinGen allele CA389046624.
Genomic context (GRCh38, chr14:23,423,921, plus strand): 5'-GAGTCCTGATGAGACCCGGGCTGGAGCCAAAGGGAGCTGCCCTTACCTTGTTCTCTGTTG[C>T]GTGTTTCTCCTTCTCCACTTTGGCCAGTGTCAGCTCCAGATCATCGATGTCCCTTTTGAG-3'
Protein context (NP_000248.2, residues 960-980): TLAKVEKEKH[Ala970Thr]TENKVKNLTE